The following is an entry in ClinVar:

ClinVar aggregate classification (germline): Likely pathogenic (1 of 4 stars; one submission).

Conditions:
Autosomal recessive nonsyndromic hearing loss 4 (DFNB4). Also called: Deafness, autosomal recessive 4; FOXI1-Related Pendred Syndrome; KCNJ10-Related Pendred Syndrome; DEAFNESS, AUTOSOMAL RECESSIVE 4, WITH ENLARGED VESTIBULAR AQUEDUCT, DIGENIC; NEUROSENSORY NONSYNDROMIC RECESSIVE DEAFNESS 4; Nonsyndromic enlarged vestibular aqueduct (NSEVA). Identifiers: Orphanet 90636, MedGen C3538946, MONDO:0010933, OMIM 600791.

Submission:

Institute of Rare Diseases, West China Hospital, Sichuan University
Classification: Likely pathogenic for Autosomal recessive nonsyndromic hearing loss 4. Last evaluated: 2025-01-09. Review status: criteria provided, single submitter. Criteria: ClinGen HL ACMG Specifications v1. Collection method: research. Allele origin: germline. Affected: yes.
Comment: PVS1;PM2_Supporting

NM_000441.2(SLC26A4):c.1241_1242insAG (p.Ser415fs)

Gene: SLC26A4 (solute carrier family 26 member 4; plus strand). Cytogenetic location: 7q22.3.
Variant type: Insertion.
Coding change: c.1241_1242insAG on transcript NM_000441.2 (MANE Select); coding-DNA positions 1241 to 1242, AG inserted.
Protein change: p.Ser415fs; shifts the reading frame from serine 415.
Molecular consequence: frameshift variant.
Genome position: GRCh38 VCF-style: chr7-107690215-A-AAG. GRCh37 (hg19) VCF-style: chr7-107330660-A-AAG.
Other names: short protein forms S415fs.
Identifiers: ClinVar variation 3601717 (VCV003601717.1).